The following is an entry in ClinVar:

NM_004336.5(BUB1):c.1831T>C (p.Phe611Leu)

Gene: BUB1 (BUB1 mitotic checkpoint serine/threonine kinase; minus strand). Cytogenetic location: 2q13.
Variant type: single nucleotide variant.
Coding change: c.1831T>C on transcript NM_004336.5 (MANE Select); coding-DNA position 1831, T replaced by C.
Protein change: p.Phe611Leu; replaces phenylalanine 611 with leucine.
Molecular consequence: missense variant.
Genome position (GRCh38, 1-based): chr2:110,655,784, A>G on the plus strand (T>C on the coding strand, the complement: BUB1 is on the minus strand). VCF-style: chr2-110655784-A-G. GRCh37 (hg19) VCF-style: chr2-111413361-A-G.
Other names: c.1771T>C, p.Phe591Leu (NM_001278616.2); c.1831T>C, p.Phe611Leu (NM_001278617.2); short protein forms F591L, F611L.
Identifiers: ClinVar variation 3262130 (VCV003262130.1).
Genomic context (GRCh38, chr2:110,655,784, plus strand): 5'-CAGTGTAACACACACCTTTATCTTCTAAAATGTGCACTGACTCCACTGGAAGCTTGTGGA[A>G]TGGTGTAGACGCAAGTTGTGCAGCAGATGTGAAGTCTCCTGGGCTCTTAGGACTGGGTGC-3'
Protein context (NP_004327.1, residues 601-621): TSAAQLASTP[Phe611Leu]HKLPVESVHI

ClinVar aggregate classification (germline): Uncertain significance (1 of 4 stars; one submission).

Submission:

Ambry Genetics
Classification: Uncertain significance. Last evaluated: 2024-03-28. Review status: criteria provided, single submitter. Criteria: Ambry Variant Classification Scheme 2023. Collection method: clinical testing. Allele origin: germline.
Comment: The p.F611L variant (also known as c.1831T>C), located in coding exon 16 of the BUB1 gene, results from a T to C substitution at nucleotide position 1831. The phenylalanine at codon 611 is replaced by leucine, an amino acid with highly similar properties. This amino acid position is conserved. In addition, this alteration is predicted to be tolerated by in silico analysis. Based on the available evidence, the clinical significance of this alteration remains unclear.